The following is an entry in ClinVar:

ClinVar aggregate classification (germline): Uncertain significance (1 of 4 stars; one submission).

Conditions:
Fanconi anemia (FA). Also called: Fanconi's anemia. Identifiers: Orphanet 84, MedGen C0015625, MeSH D005199, MONDO:0019391.

Allele frequency attached by ClinVar (database versions not stated): ExAC 0.00001; TOPMed 0.00001.
gnomAD v4.1: 5 of 1,614,012 alleles (0.00031%); highest among the groups gnomAD compares: East Asian, 0.0067%; no homozygotes.

Submission:

Labcorp Genetics (formerly Invitae), Labcorp
Classification: Uncertain significance for Fanconi anemia. Last evaluated: 2024-10-19. Review status: criteria provided, single submitter. Criteria: Invitae Variant Classification Sherloc (09022015). Collection method: clinical testing. Allele origin: germline.
Comment: This sequence change replaces arginine, which is basic and polar, with tryptophan, which is neutral and slightly polar, at codon 22 of the FANCG protein (p.Arg22Trp). This variant is present in population databases (rs754043717, gnomAD 0.006%). This variant has not been reported in the literature in individuals affected with FANCG-related conditions. ClinVar contains an entry for this variant (Variation ID: 2083117). Invitae Evidence Modeling of protein sequence and biophysical properties (such as structural, functional, and spatial information, amino acid conservation, physicochemical variation, residue mobility, and thermodynamic stability) indicates that this missense variant is not expected to disrupt FANCG protein function with a negative predictive value of 80%. In summary, the available evidence is currently insufficient to determine the role of this variant in disease. Therefore, it has been classified as a Variant of Uncertain Significance.

NM_004629.2(FANCG):c.64C>T (p.Arg22Trp)

Gene: FANCG (FA complementation group G; minus strand). Cytogenetic location: 9p13.3.
Variant type: single nucleotide variant.
Coding change: c.64C>T on transcript NM_004629.2 (MANE Select); coding-DNA position 64, C replaced by T.
Protein change: p.Arg22Trp; replaces arginine 22 with tryptophan.
Molecular consequence: missense variant.
Genome position (GRCh38, 1-based): chr9:35,079,461, G>A on the plus strand (C>T on the coding strand, the complement: FANCG is on the minus strand). VCF-style: chr9-35079461-G-A. GRCh37 (hg19) VCF-style: chr9-35079458-G-A.
Other names: short protein forms R22W.
Identifiers: ClinVar variation 2083117 (VCV002083117.2), dbSNP rs754043717, ClinGen allele CA5040161.